The following is an entry in ClinVar:

NM_020547.3(AMHR2):c.219G>A (p.Gln73=)

Gene: AMHR2 (anti-Mullerian hormone receptor type 2; plus strand). Cytogenetic location: 12q13.13.
Variant type: single nucleotide variant.
Coding change: c.219G>A on transcript NM_020547.3 (MANE Select); coding-DNA position 219, G replaced by A.
Protein change: p.Gln73=; no amino-acid change (glutamine 73 retained).
Molecular consequence: synonymous variant.
Genome position (GRCh38, 1-based): chr12:53,424,457, G>A. VCF-style: chr12-53424457-G-A. GRCh37 (hg19) VCF-style: chr12-53818241-G-A.
Other names: c.219G>A, p.Gln73= (NM_001164690.2, NM_001164691.2).
Identifiers: ClinVar variation 2643047 (VCV002643047.24), dbSNP rs368257761, ClinGen allele CA6600254.

ClinVar aggregate classification (germline): Likely benign (1 of 4 stars; one submission).

Allele frequency attached by ClinVar (database versions not stated): TOPMed 0.00011; ESP Exome Variant Server 0.00015; gnomAD 0.00022; gnomAD exomes 0.00031; ExAC 0.00056.
gnomAD v4.1: 483 of 1,613,076 alleles (0.03%); highest among the groups gnomAD compares: South Asian, 0.12%; 2 homozygotes.

Submission:

CeGaT Center for Human Genetics Tuebingen
Classification: Likely benign. Last evaluated: 2022-07-01. Review status: criteria provided, single submitter. Criteria: CeGaT Center For Human Genetics Tuebingen Variant Classification Criteria Version 2. Collection method: clinical testing. Allele origin: germline. Affected: yes. Observed: 1 variant allele.
Comment: AMHR2: BP4, BP7